The following is an entry in ClinVar:

ClinVar aggregate classification (germline): Likely benign (0 of 4 stars; one submission).

Conditions:
MUC16-related disorder. Also called: MUC16-related condition.

Submission:

PreventionGenetics, part of Exact Sciences
Classification: Likely benign for MUC16-related condition. Last evaluated: 2019-02-20. Review status: no assertion criteria provided. Collection method: clinical testing. Allele origin: germline.
Comment: This variant is classified as likely benign based on ACMG/AMP sequence variant interpretation guidelines (Richards et al. 2015 PMID: 25741868, with internal and published modifications).

NM_001401501.2(MUC16):c.41236+9_41236+16del

Gene: MUC16 (mucin 16, cell surface associated; minus strand). Cytogenetic location: 19p13.2.
Variant type: Deletion.
Coding change: c.41236+9_41236+16del on transcript NM_001401501.2 (MANE Select); bases 9 to 16 of the intron after coding-DNA position 41236, 8 bases deleted (CCCGCCCA; older notation c.41236+9_41236+16delCCCGCCCA).
Molecular consequence: intron variant.
Genome position (GRCh38, 1-based): chr19:8,886,720-8,886,727, TGGGCGGG deleted on the plus strand (CCCGCCCA on the coding strand, the reverse complement: MUC16 is on the minus strand). VCF-style (leftmost placement, unchanged base first): chr19-8886719-ATGGGCGGG-A. GRCh37 (hg19) VCF-style: chr19-8997395-ATGGGCGGG-A.
Other names: c.41662+9_41662+16del (NM_001414686.1); c.41116+9_41116+16del (NM_001414687.1); c.41010+9_41010+16del (NM_024690.2); c.41010+9_41010+16del8 (NM_024690.2).
Identifiers: ClinVar variation 3056588 (VCV003056588.2), dbSNP rs1397529533, ClinGen allele CA631395884.
Genomic context (GRCh38, chr19:8,886,719, plus strand): 5'-TCCATGCCCTGTCATGAGTGAGACAGGTGGAACTAGACAAGGTGAACTGGGCAGAGTGAG[ATGGGCGGG>A]GCTCTTACCAGGCCCTGAAGGACCCTCTCCGTGGTGTTGAACTTCCTGGAGCCAGGGTGC-3'